The following is an entry in ClinVar:

NM_144670.6(A2ML1):c.4221+2T>C

Gene: A2ML1 (alpha-2-macroglobulin like 1; plus strand). Cytogenetic location: 12p13.31.
Variant type: single nucleotide variant.
Coding change: c.4221+2T>C on transcript NM_144670.6 (MANE Select); the canonical splice donor site of the intron after coding-DNA position 4221, T replaced by C.
Molecular consequence: splice donor variant.
Genome position (GRCh38, 1-based): chr12:8,869,205, T>C. VCF-style: chr12-8869205-T-C. GRCh37 (hg19) VCF-style: chr12-9021801-T-C.
Other names: c.2748+2T>C (NM_001282424.3).
Identifiers: ClinVar variation 997919 (VCV000997919.4), dbSNP rs959378735, ClinGen allele CA232633498.

ClinVar aggregate classification (germline): Uncertain significance. Review status: criteria provided, multiple submitters, no conflicts (2 of 4 stars). 2 submissions from 2 submitters: Uncertain significance (2). Last evaluated 2024-01-03.

Allele frequency attached by ClinVar (database versions not stated): gnomAD exomes below 0.00001; gnomAD 0.00001; TOPMed 0.00002.
gnomAD v4.1: 6 of 1,613,830 alleles (0.00037%); highest among the groups gnomAD compares: African/African-American, 0.0067%; no homozygotes.

Submissions (2):

Labcorp Genetics (formerly Invitae), Labcorp
Classification: Uncertain significance. Last evaluated: 2024-01-03. Review status: criteria provided, single submitter. Criteria: Invitae Variant Classification Sherloc (09022015). Collection method: clinical testing. Allele origin: germline.
Comment: This sequence change affects a donor splice site in intron 33 of the A2ML1 gene. It is expected to disrupt RNA splicing. Variants that disrupt the donor or acceptor splice site typically lead to a loss of protein function (PMID: 16199547), however the current clinical and genetic evidence is not sufficient to establish whether loss-of-function variants in A2ML1 cause disease. This variant is not present in population databases (gnomAD no frequency). This variant has not been reported in the literature in individuals affected with A2ML1-related conditions. ClinVar contains an entry for this variant (Variation ID: 997919). Algorithms developed to predict the effect of sequence changes on RNA splicing suggest that this variant may disrupt the consensus splice site. In summary, the available evidence is currently insufficient to determine the role of this variant in disease. Therefore, it has been classified as a Variant of Uncertain Significance.

Women's Health and Genetics/Laboratory Corporation of America, LabCorp
Classification: Uncertain significance. Last evaluated: 2021-02-15. Review status: criteria provided, single submitter. Criteria: LabCorp Variant Classification Summary - May 2015. Collection method: clinical testing. Allele origin: germline.
Comment: Variant summary: A2ML1 c.4221+2T>C is located in a canonical splice-site and is predicted to affect mRNA splicing resulting in a significantly altered protein due to either exon skipping, shortening, or inclusion of intronic material. Several computational tools predict a significant impact on normal splicing: Three predict the variant abolishes a 5 splicing donor site. Two predict the variant creates a cryptic 5 donor site. However, these predictions have yet to be confirmed by functional studies. The variant was absent in 249504 control chromosomes (gnomAD). The available data on variant occurrences in the general population are insufficient to allow any conclusion about variant significance. To our knowledge, no occurrence of c.4221+2T>C in individuals affected with Noonan Syndrome and no experimental evidence demonstrating its impact on protein function have been reported. No clinical diagnostic laboratories have submitted clinical-significance assessments for this variant to ClinVar after 2014. Based on the evidence outlined above, the variant was classified as uncertain significance.

Literature cited by the submitters: PubMed 16199547 (cited by Labcorp Genetics (formerly Invitae), Labcorp).